The following is an entry in ClinVar:

ClinVar aggregate classification (germline): Uncertain significance (1 of 4 stars; one submission).

gnomAD v4.1: 9 of 1,614,036 alleles (0.00056%); highest among the groups gnomAD compares: East Asian, 0.0045%; no homozygotes.

Submission:

Labcorp Genetics (formerly Invitae), Labcorp
Classification: Uncertain significance. Last evaluated: 2024-09-25. Review status: criteria provided, single submitter. Criteria: Invitae Variant Classification Sherloc (09022015). Collection method: clinical testing. Allele origin: germline.
Comment: This sequence change replaces arginine, which is basic and polar, with cysteine, which is neutral and slightly polar, at codon 598 of the NTRK2 protein (p.Arg598Cys). This variant is not present in population databases (gnomAD no frequency). This variant has not been reported in the literature in individuals affected with NTRK2-related conditions. Invitae Evidence Modeling of protein sequence and biophysical properties (such as structural, functional, and spatial information, amino acid conservation, physicochemical variation, residue mobility, and thermodynamic stability) indicates that this missense variant is not expected to disrupt NTRK2 protein function with a negative predictive value of 80%. In summary, the available evidence is currently insufficient to determine the role of this variant in disease. Therefore, it has been classified as a Variant of Uncertain Significance.

NM_006180.6(NTRK2):c.1792C>T (p.Arg598Cys)

Gene: NTRK2 (neurotrophic receptor tyrosine kinase 2; plus strand). Cytogenetic location: 9q21.33.
Variant type: single nucleotide variant.
Coding change: c.1792C>T on transcript NM_006180.6 (MANE Select); coding-DNA position 1792, C replaced by T.
Protein change: p.Arg598Cys; replaces arginine 598 with cysteine.
Molecular consequence: missense variant.
Genome position (GRCh38, 1-based): chr9:84,948,489, C>T. VCF-style: chr9-84948489-C-T. GRCh37 (hg19) VCF-style: chr9-87563404-C-T.
Other names: c.1744C>T, p.Arg582Cys (NM_001018064.3, NM_001369532.1, NM_001369533.1); c.1708C>T, p.Arg570Cys (NM_001369534.1); c.1276C>T, p.Arg426Cys (NM_001369535.1); c.1324C>T, p.Arg442Cys (NM_001369536.1); short protein forms R582C, R426C, R442C, R570C, R598C.
Identifiers: ClinVar variation 3703957 (VCV003703957.2).